The following is an entry in ClinVar:

ClinVar aggregate classification (germline): Likely benign (1 of 4 stars; one submission).

Allele frequency attached by ClinVar (database versions not stated): gnomAD exomes below 0.00001.
gnomAD v4.1: 1 of 1,613,340 alleles (0.000062%); highest among the groups gnomAD compares: Non-Finnish European, 0.000085%; no homozygotes.

Submission:

CeGaT Center for Human Genetics Tuebingen
Classification: Likely benign. Last evaluated: 2022-12-01. Review status: criteria provided, single submitter. Criteria: CeGaT Center For Human Genetics Tuebingen Variant Classification Criteria Version 2. Collection method: clinical testing. Allele origin: germline. Affected: yes. Observed: 2 variant alleles.
Comment: GRIN2A: BP4, BP7

NM_001134407.3(GRIN2A):c.1404C>T (p.Ser468=)

Gene: GRIN2A (glutamate ionotropic receptor NMDA type subunit 2A; minus strand). Cytogenetic location: 16p13.2.
Variant type: single nucleotide variant.
Coding change: c.1404C>T on transcript NM_001134407.3 (MANE Select); coding-DNA position 1404, C replaced by T.
Protein change: p.Ser468=; no amino-acid change (serine 468 retained).
Molecular consequence: synonymous variant.
Genome position (GRCh38, 1-based): chr16:9,841,029, G>A on the plus strand (C>T on the coding strand, the complement: GRIN2A is on the minus strand). VCF-style: chr16-9841029-G-A. GRCh37 (hg19) VCF-style: chr16-9934886-G-A.
Other names: c.1404C>T, p.Ser468= (NM_000833.5, NM_001134408.2).
Identifiers: ClinVar variation 425095 (VCV000425095.43), dbSNP rs1064797208, ClinGen allele CA16621686.